The following is an entry in ClinVar:

ClinVar aggregate classification (germline): Uncertain significance. Review status: criteria provided, multiple submitters, no conflicts (2 of 4 stars). 2 submissions from 2 submitters: Uncertain significance (2). Last evaluated 2026-01-11.

Conditions:
RASopathy. Also called: rasopathies; Noonan spectrum disorder. Identifiers: Orphanet 536391, MedGen C5555857, MONDO:0021060.
Cardiovascular phenotype. Identifiers: MedGen CN230736.

Allele frequency attached by ClinVar (database versions not stated): TOPMed 0.00001; gnomAD 0.00001.
gnomAD v4.1: 10 of 1,566,010 alleles (0.00064%); highest among the groups gnomAD compares: Non-Finnish European, 0.00078%; no homozygotes.

Submissions (2):

Labcorp Genetics (formerly Invitae), Labcorp
Classification: Uncertain significance for RASopathy. Last evaluated: 2026-01-11. Review status: criteria provided, single submitter. Criteria: Invitae Variant Classification Sherloc (09022015). Collection method: clinical testing. Allele origin: germline.
Comment: This sequence change replaces proline, which is neutral and non-polar, with alanine, which is neutral and non-polar, at codon 15 of the MAP2K1 protein (p.Pro15Ala). The frequency data for this variant in the population databases is considered unreliable, as metrics indicate poor data quality at this position in the gnomAD database. This variant has not been reported in the literature in individuals affected with MAP2K1-related conditions. ClinVar contains an entry for this variant (Variation ID: 1740302). Invitae Evidence Modeling of protein sequence and biophysical properties (such as structural, functional, and spatial information, amino acid conservation, physicochemical variation, residue mobility, and thermodynamic stability) has been performed for this missense variant. However, the output from this modeling did not meet the statistical confidence thresholds required to predict the impact of this variant on MAP2K1 protein function. In summary, the available evidence is currently insufficient to determine the role of this variant in disease. Therefore, it has been classified as a Variant of Uncertain Significance.

Ambry Genetics
Classification: Uncertain significance for Cardiovascular phenotype. Last evaluated: 2022-05-15. Review status: criteria provided, single submitter. Criteria: Ambry Variant Classification Scheme 2023. Collection method: clinical testing. Allele origin: germline.
Comment: The p.P15A variant (also known as c.43C>G), located in coding exon 1 of the MAP2K1 gene, results from a C to G substitution at nucleotide position 43. The proline at codon 15 is replaced by alanine, an amino acid with highly similar properties. This amino acid position is conserved. In addition, the in silico prediction for this alteration is inconclusive. Since supporting evidence is limited at this time, the clinical significance of this alteration remains unclear.

NM_002755.4(MAP2K1):c.43C>G (p.Pro15Ala)

Gene: MAP2K1 (mitogen-activated protein kinase kinase 1; plus strand). Cytogenetic location: 15q22.31.
Variant type: single nucleotide variant.
Coding change: c.43C>G on transcript NM_002755.4 (MANE Select); coding-DNA position 43, C replaced by G.
Protein change: p.Pro15Ala; replaces proline 15 with alanine.
Molecular consequence: missense variant.
Genome position (GRCh38, 1-based): chr15:66,387,390, C>G. VCF-style: chr15-66387390-C-G. GRCh37 (hg19) VCF-style: chr15-66679728-C-G.
Other names: short protein forms P15A.
Identifiers: ClinVar variation 1740302 (VCV001740302.5), dbSNP rs916502006, ClinGen allele CA271646517.